The following is an entry in ClinVar:

NM_004928.3(CFAP410):c.522G>A (p.Pro174=)

Gene: CFAP410 (cilia and flagella associated protein 410; minus strand). Cytogenetic location: 21q22.3.
Variant type: single nucleotide variant.
Coding change: c.522G>A on transcript NM_004928.3 (MANE Select); coding-DNA position 522, G replaced by A.
Protein change: p.Pro174=; no amino-acid change (proline 174 retained).
Molecular consequence: synonymous variant.
Genome position (GRCh38, 1-based): chr21:44,331,866, C>T on the plus strand (G>A on the coding strand, the complement: CFAP410 is on the minus strand). VCF-style: chr21-44331866-C-T. GRCh37 (hg19) VCF-style: chr21-45751749-C-T.
Other names: c.522G>A, p.Pro174= (NM_001271440.2, NM_001271441.2); c.399G>A, p.Pro133= (NM_001271442.1); c.522G>A (NM_004928.2).
Identifiers: ClinVar variation 1513809 (VCV001513809.9), dbSNP rs372721170, ClinGen allele CA10053646.

ClinVar aggregate classification (germline): Likely benign. Review status: criteria provided, multiple submitters, no conflicts (2 of 4 stars). 2 submissions from 2 submitters: Likely benign (2). Last evaluated 2026-04-06.

Conditions:
CFAP410-related disorder. Also called: CFAP410-related condition.

gnomAD v4.1: 31 of 1,611,488 alleles (0.0019%); highest among the groups gnomAD compares: East Asian, 0.027%; no homozygotes.

Submissions (2):

PreventionGenetics, part of Exact Sciences
Classification: Likely benign for CFAP410-related condition. Last evaluated: 2026-04-06. Review status: criteria provided, single submitter. Criteria: ACMG Guidelines, 2015. Collection method: clinical testing. Allele origin: germline.
Comment: This variant is classified as likely benign based on ACMG/AMP sequence variant interpretation guidelines (Richards et al. 2015 PMID: 25741868, with internal and published modifications).

Labcorp Genetics (formerly Invitae), Labcorp
Classification: Likely benign. Last evaluated: 2025-12-01. Review status: criteria provided, single submitter. Criteria: Invitae Variant Classification Sherloc (09022015). Collection method: clinical testing. Allele origin: germline.